The following is an entry in ClinVar:

ClinVar aggregate classification (germline): Uncertain significance (1 of 4 stars; one submission).

Submission:

GeneDx
Classification: Uncertain significance. Last evaluated: 2026-01-23. Review status: criteria provided, single submitter. Criteria: GeneDx Variant Classification Process June 2021. Collection method: clinical testing. Allele origin: germline.
Comment: Not observed at significant frequency in large population cohorts (gnomAD); In silico analysis supports that this missense variant has a deleterious effect on protein structure/function; Has not been previously published as pathogenic or benign to our knowledge

NM_001375524.1(TRRAP):c.7238G>T (p.Arg2413Leu)

Gene: TRRAP (transformation/transcription domain associated protein; plus strand). Cytogenetic location: 7q22.1.
Variant type: single nucleotide variant.
Coding change: c.7238G>T on transcript NM_001375524.1 (MANE Select); coding-DNA position 7238, G replaced by T.
Protein change: p.Arg2413Leu; replaces arginine 2413 with leucine.
Molecular consequence: missense variant.
Genome position (GRCh38, 1-based): chr7:98,967,102, G>T. VCF-style: chr7-98967102-G-T. GRCh37 (hg19) VCF-style: chr7-98564725-G-T.
Other names: c.7217G>T, p.Arg2406Leu (NM_001244580.2); c.7163G>T, p.Arg2388Leu (NM_003496.4); short protein forms R2388L, R2406L, R2413L.
Identifiers: ClinVar variation 4888108 (VCV004888108.1).